The following is an entry in ClinVar:

ClinVar aggregate classification (germline): Pathogenic/Likely pathogenic. Review status: criteria provided, multiple submitters, no conflicts (2 of 4 stars). 6 submissions from 6 submitters: Pathogenic (2); Likely pathogenic (3). 1 of the submissions does not count toward it. Last evaluated 2025-12-23.

Conditions:
Rare genetic deafness. Identifiers: Orphanet 96210, MedGen C5680250.
Usher syndrome type 1 (USH1). Also called: RETINITIS PIGMENTOSA AND CONGENITAL DEAFNESS. Identifiers: Orphanet 231169, Orphanet 886, MedGen C1568247, MONDO:0010168, OMIM 276900.
Autosomal recessive nonsyndromic hearing loss 2. Also called: DEAFNESS, AUTOSOMAL RECESSIVE 2; NEUROSENSORY NONSYNDROMIC RECESSIVE DEAFNESS 2. Identifiers: Orphanet 90636, MedGen C1838701, MONDO:0010807, OMIM 600060.
Retinal dystrophy. Also called: Inherited retinal dystrophy. Identifiers: Orphanet 71862, MedGen C0854723, MeSH D058499, MONDO:0019118, HP:0000556.
Inborn genetic diseases. Identifiers: MedGen C0950123, MeSH D030342.

Allele frequency attached by ClinVar (database versions not stated): gnomAD exomes below 0.00001; gnomAD 0.00001; TOPMed 0.00002.
gnomAD v4.1: 2 of 1,564,842 alleles (0.00013%); highest among the groups gnomAD compares: Non-Finnish European, 0.00017%; no homozygotes.

Submissions (6):

Labcorp Genetics (formerly Invitae), Labcorp
Classification: Pathogenic. Last evaluated: 2025-12-23. Review status: criteria provided, single submitter. Criteria: Invitae Variant Classification Sherloc (09022015). Collection method: clinical testing. Allele origin: germline.
Comment: This sequence change replaces leucine, which is neutral and non-polar, with proline, which is neutral and non-polar, at codon 366 of the MYO7A protein (p.Leu366Pro). This variant is not present in population databases (gnomAD no frequency). This missense change has been observed in individual(s) with Usher syndrome (PMID: 17361009, 27460420). In at least one individual the data is consistent with being in trans (on the opposite chromosome) from a pathogenic variant. ClinVar contains an entry for this variant (Variation ID: 43133). Invitae Evidence Modeling of protein sequence and biophysical properties (such as structural, functional, and spatial information, amino acid conservation, physicochemical variation, residue mobility, and thermodynamic stability) indicates that this missense variant is expected to disrupt MYO7A protein function with a positive predictive value of 95%. For these reasons, this variant has been classified as Pathogenic.

Ambry Genetics
Classification: Pathogenic for Inborn genetic diseases. Last evaluated: 2024-08-07. Review status: criteria provided, single submitter. Criteria: Ambry Variant Classification Scheme 2023. Collection method: clinical testing. Allele origin: germline.
Comment: The c.1097T>C (p.L366P) alteration is located in exon 11 (coding exon 10) of the MYO7A gene. This alteration results from a T to C substitution at nucleotide position 1097, causing the leucine (L) at amino acid position 366 to be replaced by a proline (P). for autosomal recessive Usher syndrome type I; however, its clinical significance for autosomal dominant and autosomal recessive MYO7A-related nonsyndromic hearing loss is uncertain. This variant was not reported in population-based cohorts in the Genome Aggregation Database (gnomAD). This variant has been identified in the homozygous state and/or in conjunction with other MYO7A variants in individuals with features consistent with Usher syndrome; in at least one instance, the variants were identified in trans (Jaijo, 2007; Bonnet, 2016; Colombo, 2021). This amino acid position is well conserved in available vertebrate species. This alteration is predicted to be deleterious by in silico analysis. Based on the available evidence, this alteration is classified as pathogenic.

Institute of Human Genetics, Univ. Regensburg, Univ. Regensburg
Classification: Likely pathogenic for Retinal dystrophy. Last evaluated: 2022-01-01. Review status: criteria provided, single submitter. Criteria: ACMG Guidelines, 2015. Collection method: clinical testing. Allele origin: germline. Affected: yes.

Institute of Medical Genetics and Applied Genomics, University Hospital Tübingen
Classification: Likely pathogenic. Last evaluated: 2020-10-23. Review status: criteria provided, single submitter. Criteria: ACMG Guidelines, 2015. Collection method: clinical testing. Allele origin: germline. Inheritance: Autosomal unknown. Affected: yes.

Laboratory for Molecular Medicine, Mass General Brigham Personalized Medicine
Classification: Likely pathogenic for Rare genetic deafness. Last evaluated: 2012-07-26. Review status: criteria provided, single submitter. Criteria: LMM Criteria. Collection method: clinical testing. Allele origin: germline. Inheritance: Autosomal recessive inheritance. Observed: 3 variant alleles.
Comment: The Leu366Pro variant in MYO7A has been reported in trans with likely pathogenic MYO7A variants in two probands with Usher syndrome type I (Jaijo 2007; LMM unpu blished data). In addition, it was absent from >8,000 European American chromoso mes from a broad population by the NHLBI Exome Sequencing Project (.). In summary, this variant is likely pathogenic, though add itional studies are required to fully establish its clinical significance.

Counsyl
Classification: Likely pathogenic for Usher syndrome type 1; Autosomal recessive nonsyndromic hearing loss 2. Last evaluated: 2017-04-18. Review status: no assertion criteria provided. Collection method: clinical testing. Allele origin: unknown. Not counted in ClinVar's aggregate classification.

Literature cited by the submitters: PubMed 17361009 (cited by 5 submitters); PubMed 27460420 (cited by 3 submitters); PubMed 33576794 (cited by Ambry Genetics and Institute of Human Genetics, Univ. Regensburg, Univ. Regensburg); PubMed 23451239 (cited by Institute of Human Genetics, Univ. Regensburg, Univ. Regensburg and Counsyl).

NM_000260.4(MYO7A):c.1097T>C (p.Leu366Pro)

Gene: MYO7A (myosin VIIA; plus strand). Cytogenetic location: 11q13.5.
Variant type: single nucleotide variant.
Coding change: c.1097T>C on transcript NM_000260.4 (MANE Select); coding-DNA position 1097, T replaced by C.
Protein change: p.Leu366Pro; replaces leucine 366 with proline.
Molecular consequence: missense variant.
Genome position (GRCh38, 1-based): chr11:77,160,179, T>C. VCF-style: chr11-77160179-T-C. GRCh37 (hg19) VCF-style: chr11-76871225-T-C.
Other names: c.1097T>C, p.Leu366Pro (NM_001127180.2); c.1064T>C, p.Leu355Pro (NM_001369365.1); short protein forms L366P, L355P.
Identifiers: ClinVar variation 43133 (VCV000043133.17), dbSNP rs397516281, ClinGen allele CA278619.